The following is an entry in ClinVar:

ClinVar aggregate classification (germline): Uncertain significance (1 of 4 stars; one submission).

Allele frequency attached by ClinVar (database versions not stated): gnomAD exomes below 0.00001.

Submission:

GeneDx
Classification: Uncertain significance. Last evaluated: 2022-05-09. Review status: criteria provided, single submitter. Criteria: GeneDx Variant Classification Process June 2021. Collection method: clinical testing. Allele origin: germline. Affected: yes.
Comment: Not observed at significant frequency in large population cohorts (gnomAD); In silico analysis supports that this missense variant does not alter protein structure/function; Has not been previously published as pathogenic or benign to our knowledge

NM_001170629.2(CHD8):c.7411C>T (p.Pro2471Ser)

Gene: CHD8 (chromodomain helicase DNA binding protein 8; minus strand). Cytogenetic location: 14q11.2.
Variant type: single nucleotide variant.
Coding change: c.7411C>T on transcript NM_001170629.2 (MANE Select); coding-DNA position 7411, C replaced by T.
Protein change: p.Pro2471Ser; replaces proline 2471 with serine.
Molecular consequence: missense variant.
Genome position (GRCh38, 1-based): chr14:21,385,948, G>A on the plus strand (C>T on the coding strand, the complement: CHD8 is on the minus strand). VCF-style: chr14-21385948-G-A. GRCh37 (hg19) VCF-style: chr14-21854107-G-A.
Other names: c.6574C>T, p.Pro2192Ser (NM_020920.4); short protein forms P2192S, P2471S.
Identifiers: ClinVar variation 1684090 (VCV001684090.2), dbSNP rs2139428284, ClinGen allele CA388875229.